The following is an entry in ClinVar:

NM_001025356.3(ANO6):c.577G>T (p.Asp193Tyr)

Gene: ANO6 (anoctamin 6; plus strand). Cytogenetic location: 12q12.
Variant type: single nucleotide variant.
Coding change: c.577G>T on transcript NM_001025356.3 (MANE Select); coding-DNA position 577, G replaced by T.
Protein change: p.Asp193Tyr; replaces aspartic acid 193 with tyrosine.
Molecular consequence: missense variant.
Genome position (GRCh38, 1-based): chr12:45,348,259, G>T. VCF-style: chr12-45348259-G-T. GRCh37 (hg19) VCF-style: chr12-45742042-G-T.
Other names: c.523G>T, p.Asp175Tyr (NM_001142678.2); c.577G>T, p.Asp193Tyr (NM_001142679.2); c.640G>T, p.Asp214Tyr (NM_001204803.2); c.544G>T, p.Asp182Tyr (NM_001410973.1); c.577G>T (NM_001025356.2); short protein forms D193Y, D214Y, D182Y, D175Y.
Identifiers: ClinVar variation 1925054 (VCV001925054.4), dbSNP rs145491348, ClinGen allele CA6525022.

ClinVar aggregate classification (germline): Uncertain significance. Review status: criteria provided, multiple submitters, no conflicts (2 of 4 stars). 2 submissions from 2 submitters: Uncertain significance (2). Last evaluated 2025-03-22.

Conditions:
Inborn genetic diseases. Identifiers: MedGen C0950123, MeSH D030342.

Allele frequency attached by ClinVar (database versions not stated): ESP Exome Variant Server 0.00023; gnomAD exomes 0.00001; ExAC 0.00004; TOPMed 0.00008; 1000 Genomes Project 30x 0.00031; 1000 Genomes Project 0.00040; gnomAD 0.00009.
gnomAD v4.1: 26 of 1,614,062 alleles (0.0016%); highest among the groups gnomAD compares: African/African-American, 0.033%; no homozygotes.

Submissions (2):

Ambry Genetics
Classification: Uncertain significance for Inborn genetic diseases. Last evaluated: 2025-03-22. Review status: criteria provided, single submitter. Criteria: Ambry Variant Classification Scheme 2023. Collection method: clinical testing. Allele origin: germline.

Labcorp Genetics (formerly Invitae), Labcorp
Classification: Uncertain significance. Last evaluated: 2022-05-04. Review status: criteria provided, single submitter. Criteria: Invitae Variant Classification Sherloc (09022015). Collection method: clinical testing. Allele origin: germline.
Comment: This variant has not been reported in the literature in individuals affected with ANO6-related conditions. This sequence change replaces aspartic acid, which is acidic and polar, with tyrosine, which is neutral and polar, at codon 193 of the ANO6 protein (p.Asp193Tyr). This variant is present in population databases (rs145491348, gnomAD 0.04%). Advanced modeling of protein sequence and biophysical properties (such as structural, functional, and spatial information, amino acid conservation, physicochemical variation, residue mobility, and thermodynamic stability) performed at Invitae indicates that this missense variant is not expected to disrupt ANO6 protein function. In summary, the available evidence is currently insufficient to determine the role of this variant in disease. Therefore, it has been classified as a Variant of Uncertain Significance.